The following is an entry in ClinVar:

ClinVar aggregate classification (germline): Uncertain significance (1 of 4 stars; one submission).

Conditions:
Primary ciliary dyskinesia. Also called: Ciliary dyskinesia. Identifiers: Orphanet 244, MedGen C0008780, MONDO:0016575, HP:0012265.

Allele frequency attached by ClinVar (database versions not stated): gnomAD 0.00001; gnomAD exomes 0.00001; TOPMed 0.00001; ExAC 0.00003.

Submission:

Labcorp Genetics (formerly Invitae), Labcorp
Classification: Uncertain significance for Primary ciliary dyskinesia. Last evaluated: 2022-09-13. Review status: criteria provided, single submitter. Criteria: Invitae Variant Classification Sherloc (09022015). Collection method: clinical testing. Allele origin: germline.
Comment: In summary, the available evidence is currently insufficient to determine the role of this variant in disease. Therefore, it has been classified as a Variant of Uncertain Significance. Advanced modeling of protein sequence and biophysical properties (such as structural, functional, and spatial information, amino acid conservation, physicochemical variation, residue mobility, and thermodynamic stability) performed at Invitae indicates that this missense variant is not expected to disrupt DNAAF3 protein function. This variant has not been reported in the literature in individuals affected with DNAAF3-related conditions. This variant is present in population databases (rs760023977, gnomAD 0.04%). This sequence change replaces isoleucine, which is neutral and non-polar, with threonine, which is neutral and polar, at codon 475 of the DNAAF3 protein (p.Ile475Thr).

NM_001256715.2(DNAAF3):c.1223T>C (p.Ile408Thr)

Genes: DNAAF3 (dynein axonemal assembly factor 3; minus strand), DNAAF3-AS1 (DNAAF3 antisense RNA 1; plus strand). Cytogenetic location: 19q13.42.
Variant type: single nucleotide variant.
Coding change: c.1223T>C on transcript NM_001256715.2 (MANE Select); coding-DNA position 1223, T replaced by C.
Protein change: p.Ile408Thr; replaces isoleucine 408 with threonine.
Molecular consequence: missense variant.
Genome position (GRCh38, 1-based): chr19:55,159,548, A>G on the plus strand (T>C on the coding strand, the complement: DNAAF3 is on the minus strand). VCF-style: chr19-55159548-A-G. GRCh37 (hg19) VCF-style: chr19-55670916-A-G.
Other names: c.1424T>C, p.Ile475Thr (NM_001256714.1); c.1061T>C, p.Ile354Thr (NM_001256716.2); c.1364T>C, p.Ile455Thr (NM_178837.4); short protein forms I354T, I475T, I455T, I408T.
Identifiers: ClinVar variation 2156275 (VCV002156275.2), dbSNP rs760023977, ClinGen allele CA9667845.